The following is an entry in ClinVar:

ClinVar aggregate classification (germline): Uncertain significance (1 of 4 stars; one submission).

Submission:

Labcorp Genetics (formerly Invitae), Labcorp
Classification: Uncertain significance. Last evaluated: 2022-05-21. Review status: criteria provided, single submitter. Criteria: Invitae Variant Classification Sherloc (09022015). Collection method: clinical testing. Allele origin: germline.
Comment: In summary, the available evidence is currently insufficient to determine the role of this variant in disease. Therefore, it has been classified as a Variant of Uncertain Significance. This variant disrupts the triple helix domain of COL7A1. Glycine residues within the Gly-Xaa-Yaa repeats of the triple helix domain are required for the structure and stability of fibrillar collagens (PMID: 7695699, 8218237, 19344236), and variants at these glycine residues in COL7A1 are more frequently observed in individuals with disease than in the general population (PMID: 22058051). However, the clinical significance of this observation remains uncertain since only a limited number of affected individuals have been described to date. Advanced modeling of protein sequence and biophysical properties (such as structural, functional, and spatial information, amino acid conservation, physicochemical variation, residue mobility, and thermodynamic stability) performed at Invitae indicates that this missense variant is expected to disrupt COL7A1 protein function. This variant has not been reported in the literature in individuals affected with COL7A1-related conditions. This variant is not present in population databases (gnomAD no frequency). This sequence change replaces glycine, which is neutral and non-polar, with serine, which is neutral and polar, at codon 2330 of the COL7A1 protein (p.Gly2330Ser).

Literature cited by the submitters: PubMed 7695699; PubMed 8218237; PubMed 19344236; PubMed 22058051.

NM_000094.4(COL7A1):c.6988G>A (p.Gly2330Ser)

Gene: COL7A1 (collagen type VII alpha 1 chain; minus strand). Cytogenetic location: 3p21.31.
Variant type: single nucleotide variant.
Coding change: c.6988G>A on transcript NM_000094.4 (MANE Select); coding-DNA position 6988, G replaced by A.
Protein change: p.Gly2330Ser; replaces glycine 2330 with serine.
Molecular consequence: missense variant.
Genome position (GRCh38, 1-based): chr3:48,572,162, C>T on the plus strand (G>A on the coding strand, the complement: COL7A1 is on the minus strand). VCF-style: chr3-48572162-C-T. GRCh37 (hg19) VCF-style: chr3-48609595-C-T.
Other names: short protein forms G2330S.
Identifiers: ClinVar variation 1997552 (VCV001997552.4), dbSNP rs2530896682, ClinGen allele CA352652425.
Genomic context (GRCh38, chr3:48,572,162, plus strand): 5'-AGGCCCCAGGGCCAACCCACCTCACCTTCTCGCCTCGCGGCCCTGGCAGTCCTCGGTCAC[C>T]TTTGGCTCCCTGTTGACAGAGGTCAGGAGGCAACACAGGCATCAGTCACAGAAAGATGAG-3'
Protein context (NP_000085.1, residues 2320-2340): GDLVGEPGAK[Gly2330Ser]DRGLPGPRGE